The following is an entry in ClinVar:

NM_001371596.2(MFSD8):c.592G>A (p.Val198Met)

Gene: MFSD8 (major facilitator superfamily domain containing 8; minus strand). Cytogenetic location: 4q28.2.
Variant type: single nucleotide variant.
Coding change: c.592G>A on transcript NM_001371596.2 (MANE Select); coding-DNA position 592, G replaced by A.
Protein change: p.Val198Met; replaces valine 198 with methionine.
Molecular consequence: missense variant. On other transcripts: intron variant (5).
Genome position (GRCh38, 1-based): chr4:127,939,959, C>T on the plus strand (G>A on the coding strand, the complement: MFSD8 is on the minus strand). VCF-style: chr4-127939959-C-T. GRCh37 (hg19) VCF-style: chr4-128861114-C-T.
Other names: c.457G>A, p.Val153Met (NM_001371590.2); c.592G>A, p.Val198Met (NM_001371591.2, NM_152778.4); c.598G>A, p.Val200Met (NM_001371592.2); c.478G>A, p.Val160Met (NM_001371593.2, NM_001410766.1); c.419-1123G>A (NM_001371595.1); c.304+3793G>A (NM_001410765.1); c.439+3793G>A (NM_001363521.3); c.553+2086G>A (NM_001363520.3); and 1 more; short protein forms V198M, V153M, V160M, V200M.
Identifiers: ClinVar variation 449169 (VCV000449169.20), dbSNP rs377029630, ClinGen allele CA3077426.
Genomic context (GRCh38, chr4:127,939,959, plus strand): 5'-CGCTAAGTAAAACTGGTGTTGTATACATGTTTATCTGCAGTTTAATCACATCCCATGTCA[C>T]ACCTTTTTCTCCAAGGAATGTAAAACAAGTCTGAAAAACTTATTAAGATAAAATTTTCAC-3'
Protein context (NP_001358525.1, residues 188-208): TCFTFLGEKG[Val198Met]TWDVIKLQIN

ClinVar aggregate classification (germline): Uncertain significance. Review status: criteria provided, multiple submitters, no conflicts (2 of 4 stars). 6 submissions from 6 submitters: Uncertain significance (5). 1 of the submissions does not count toward it. Last evaluated 2024-11-20.

Conditions:
Late-infantile neuronal ceroid lipofuscinosis. Also called: Jansky-Bielschowsky disease. Identifiers: MedGen C0022340, MONDO:0015674.
Inborn genetic diseases. Identifiers: MedGen C0950123, MeSH D030342.
Neuronal ceroid lipofuscinosis 7 (CLN7). Also called: MFSD8-Related Neuronal Ceroid-Lipofuscinosis. Identifiers: Orphanet 168491, Orphanet 228366, MedGen C1838571, MONDO:0012588, OMIM 610951.

Allele frequency attached by ClinVar (database versions not stated): gnomAD exomes 0.00001 and 0.00004; ExAC 0.00004; ESP Exome Variant Server 0.00008; gnomAD 0.00009 and 0.00010; TOPMed 0.00016.
gnomAD v4.1: 33 of 1,613,348 alleles (0.002%); highest among the groups gnomAD compares: African/African-American, 0.028%; no homozygotes.

Submissions (6):

Ambry Genetics
Classification: Uncertain significance for Inborn genetic diseases. Last evaluated: 2024-11-20. Review status: criteria provided, single submitter. Criteria: Ambry Variant Classification Scheme 2023. Collection method: clinical testing. Allele origin: germline.

Blueprint Genetics
Classification: Uncertain significance. Last evaluated: 2024-07-19. Review status: criteria provided, single submitter. Criteria: ACMG Guidelines, 2015. Collection method: clinical testing. Allele origin: germline.

GeneDx
Classification: Uncertain significance. Last evaluated: 2024-02-13. Review status: criteria provided, single submitter. Criteria: GeneDx Variant Classification Process June 2021. Collection method: clinical testing. Allele origin: germline. Affected: yes.
Comment: In silico analysis supports that this missense variant does not alter protein structure/function; Has not been previously published as pathogenic or benign to our knowledge

Labcorp Genetics (formerly Invitae), Labcorp
Classification: Uncertain significance for Neuronal ceroid lipofuscinosis 7. Last evaluated: 2022-10-31. Review status: criteria provided, single submitter. Criteria: Invitae Variant Classification Sherloc (09022015). Collection method: clinical testing. Allele origin: germline.
Comment: This sequence change replaces valine, which is neutral and non-polar, with methionine, which is neutral and non-polar, at codon 198 of the MFSD8 protein (p.Val198Met). This variant is present in population databases (rs377029630, gnomAD 0.03%). This variant has not been reported in the literature in individuals affected with MFSD8-related conditions. ClinVar contains an entry for this variant (Variation ID: 449169). Advanced modeling of protein sequence and biophysical properties (such as structural, functional, and spatial information, amino acid conservation, physicochemical variation, residue mobility, and thermodynamic stability) has been performed at Invitae for this missense variant, however the output from this modeling did not meet the statistical confidence thresholds required to predict the impact of this variant on MFSD8 protein function. Algorithms developed to predict the effect of sequence changes on RNA splicing suggest that this variant may disrupt the consensus splice site. In summary, the available evidence is currently insufficient to determine the role of this variant in disease. Therefore, it has been classified as a Variant of Uncertain Significance.

Eurofins Ntd Llc (ga)
Classification: Uncertain significance. Last evaluated: 2016-12-27. Review status: criteria provided, single submitter. Criteria: EGL Classification Definitions 2015. Collection method: clinical testing. Allele origin: germline. Observed: 1 variant allele, 1 heterozygote.

Natera, Inc.
Classification: Uncertain significance for Late-infantile neuronal ceroid lipofuscinosis. Last evaluated: 2020-01-17. Review status: no assertion criteria provided. Collection method: clinical testing. Allele origin: germline. Not counted in ClinVar's aggregate classification.